The following is an entry in ClinVar:

NM_002055.5(GFAP):c.869A>C (p.Gln290Pro)

Gene: GFAP (glial fibrillary acidic protein; minus strand). Cytogenetic location: 17q21.31.
Variant type: single nucleotide variant.
Coding change: c.869A>C on transcript NM_002055.5 (MANE Select); coding-DNA position 869, A replaced by C.
Protein change: p.Gln290Pro; replaces glutamine 290 with proline.
Molecular consequence: missense variant.
Genome position (GRCh38, 1-based): chr17:44,911,709, T>G on the plus strand (A>C on the coding strand, the complement: GFAP is on the minus strand). VCF-style: chr17-44911709-T-G. GRCh37 (hg19) VCF-style: chr17-42989077-T-G.
Other names: NM_002055.5(GFAP):c.869A>C; p.Gln290Pro; c.869A>C, p.Gln290Pro (NM_001131019.3, NM_001242376.3, NM_001363846.2); c.869A>C (NM_002055.4); short protein forms Q290P.
Identifiers: ClinVar variation 2768154 (VCV002768154.5), dbSNP rs1318141919, ClinGen allele CA399844593.
Genomic context (GRCh38, chr17:44,911,709, plus strand): 5'-CGTCCTGCCCTGGCCGCGCTCACCGTGCCGCGCAGAGACTCCAGGTCGCAGGTCAAGGAC[T>G]GCAACTGGCGCCGGTAGTCGTTGGCTTCGTGCTTGGCCTGGCGGAGCAGCTCCGCGTTGC-3'
Protein context (NP_002046.1, residues 280-300): HEANDYRRQL[Gln290Pro]SLTCDLESLR

ClinVar aggregate classification (germline): Uncertain significance. Review status: reviewed by expert panel (3 of 4 stars). 3 submissions from 3 submitters: Uncertain significance (1). 2 of the submissions do not count toward it. Last evaluated 2026-08-18.

Conditions:
Alexander disease (ALXDRD). Also called: Alexander's disease. Identifiers: Orphanet 58, MedGen C0270726, MONDO:0008752, OMIM 203450.

gnomAD v4.1: 1 of 1,613,946 alleles (0.000062%); highest among the groups gnomAD compares: Non-Finnish European, 0.000085%; no homozygotes.

Submissions (3):

ClinGen Leukodystrophy and Leukoencephalopathy Variant Curation Expert Panel, ClinGen
Classification: Uncertain significance for Alexander disease. Last evaluated: 2026-08-18. Review status: reviewed by expert panel. Criteria: ClinGen Leuko ACMG Specifications GFAP V1.0. Collection method: curation. Allele origin: germline. Inheritance: Autosomal dominant inheritance.
Comment: The NM_002055.5(GFAP):c.869A>C, variant in GFAP is a missense variant predicited to cause a substitution of glutamine by proline at amino acid 290 (p.Gln290Pro). This variant is absent from gnomAD v[4.1.1] (PM2_Supporting). In summary, this variant meets the criteria to be classified as variant of uncertain significance based on the ACMG/AMP criteria applied (PM2_Supporting) as specified by the ClinGen Leukodystrophy and Leukoencephalopathy VCEP Specifications Version 1.0.0.

Labcorp Genetics (formerly Invitae), Labcorp
Classification: Uncertain significance. Last evaluated: 2024-02-23. Review status: criteria provided, single submitter. Criteria: Invitae Variant Classification Sherloc (09022015). Collection method: clinical testing. Allele origin: germline. Not counted in ClinVar's aggregate classification.
Comment: This sequence change replaces glutamine, which is neutral and polar, with proline, which is neutral and non-polar, at codon 290 of the GFAP protein (p.Gln290Pro). This variant is not present in population databases (gnomAD no frequency). This variant has not been reported in the literature in individuals affected with GFAP-related conditions. Advanced modeling of protein sequence and biophysical properties (such as structural, functional, and spatial information, amino acid conservation, physicochemical variation, residue mobility, and thermodynamic stability) has been performed at Invitae for this missense variant, however the output from this modeling did not meet the statistical confidence thresholds required to predict the impact of this variant on GFAP protein function. In summary, the available evidence is currently insufficient to determine the role of this variant in disease. Therefore, it has been classified as a Variant of Uncertain Significance.

GeneDx
Classification: Uncertain significance. Last evaluated: 2023-12-15. Review status: criteria provided, single submitter. Criteria: GeneDx Variant Classification Process June 2021. Collection method: clinical testing. Allele origin: germline. Affected: yes. Not counted in ClinVar's aggregate classification.
Comment: Not observed at significant frequency in large population cohorts (gnomAD); In silico analysis supports that this missense variant has a deleterious effect on protein structure/function; Has not been previously published as pathogenic or benign to our knowledge